The following is an entry in ClinVar:

ClinVar aggregate classification (germline): Uncertain significance (1 of 4 stars; one submission).

Conditions:
Congenital adrenal hyperplasia due to cytochrome P450 oxidoreductase deficiency. Also called: DISORDERED STEROIDOGENESIS DUE TO POR DEFICIENCY. Identifiers: Orphanet 95699, MedGen C1860042, MONDO:0013310, OMIM 613571.

gnomAD v4.1: 21 of 1,587,804 alleles (0.0013%); highest among the groups gnomAD compares: South Asian, 0.0046%; no homozygotes.

Submission:

Labcorp Genetics (formerly Invitae), Labcorp
Classification: Uncertain significance for Congenital adrenal hyperplasia due to cytochrome P450 oxidoreductase deficiency. Last evaluated: 2022-08-09. Review status: criteria provided, single submitter. Criteria: Invitae Variant Classification Sherloc (09022015). Collection method: clinical testing. Allele origin: germline.
Comment: This sequence change replaces arginine, which is basic and polar, with histidine, which is basic and polar, at codon 517 of the POR protein (p.Arg517His). The frequency data for this variant in the population databases is considered unreliable, as metrics indicate poor data quality at this position in the gnomAD database. This variant has not been reported in the literature in individuals affected with POR-related conditions. Algorithms developed to predict the effect of missense changes on protein structure and function are either unavailable or do not agree on the potential impact of this missense change (SIFT: "Deleterious"; PolyPhen-2: "Probably Damaging"; Align-GVGD: "Class C0"). In summary, the available evidence is currently insufficient to determine the role of this variant in disease. Therefore, it has been classified as a Variant of Uncertain Significance.

NM_001395413.1(POR):c.1541G>A (p.Arg514His)

Gene: POR (cytochrome p450 oxidoreductase; plus strand). Cytogenetic location: 7q11.23.
Variant type: single nucleotide variant.
Coding change: c.1541G>A on transcript NM_001395413.1 (MANE Select); coding-DNA position 1541, G replaced by A.
Protein change: p.Arg514His; replaces arginine 514 with histidine.
Molecular consequence: missense variant.
Genome position (GRCh38, 1-based): chr7:75,985,730, G>A. VCF-style: chr7-75985730-G-A. GRCh37 (hg19) VCF-style: chr7-75615048-G-A.
Other names: c.1550G>A, p.Arg517His (NM_000941.3); c.1541G>A, p.Arg514His (NM_001367562.3, NM_001382657.2, NM_001382658.3 and 1 more transcripts); c.1595G>A, p.Arg532His (NM_001382655.3); c.1391G>A, p.Arg464His (NM_001382662.3); short protein forms R532H, R464H, R514H, R517H.
Identifiers: ClinVar variation 2188086 (VCV002188086.1), dbSNP rs781813178, ClinGen allele CA367750180.
Genomic context (GRCh38, chr7:75,985,730, plus strand): 5'-TGCGGGCCAAGGAGCCTGCCGGGGAGAACGGCGGCCGTGCGCTGGTGCCCATGTTCGTGC[G>A]CAAGTCCCAGTTCCGCCTGCCCTTCAAGGCCACCACGCCTGTCATCATGGTGGGCCCCGG-3'
Protein context (NP_001382342.1, residues 504-524): GGRALVPMFV[Arg514His]KSQFRLPFKA